The following is an entry in ClinVar:

NM_005141.5(FGB):c.1185G>C (p.Arg395Ser)

Gene: FGB (fibrinogen beta chain; plus strand). Cytogenetic location: 4q31.3.
Variant type: single nucleotide variant.
Coding change: c.1185G>C on transcript NM_005141.5 (MANE Select); coding-DNA position 1185, G replaced by C.
Protein change: p.Arg395Ser; replaces arginine 395 with serine.
Molecular consequence: missense variant. On other transcripts: intron variant (1).
Genome position (GRCh38, 1-based): chr4:154,569,740, G>C. VCF-style: chr4-154569740-G-C. GRCh37 (hg19) VCF-style: chr4-155490892-G-C.
Other names: c.1008G>C, p.Arg336Ser (NM_001184741.1); c.1053G>C, p.Arg351Ser (NM_001382759.1); c.1185G>C, p.Arg395Ser (NM_001382760.1, NM_001382761.1, NM_001382765.1); c.885G>C, p.Arg295Ser (NM_001382762.1); c.1176G>C, p.Arg392Ser (NM_001382763.1); c.1081-33G>C (NM_001382764.1); short protein forms R351S, R392S, R336S, R295S, R395S.
Identifiers: ClinVar variation 5000080 (VCV005000080.1).

ClinVar aggregate classification (germline): Uncertain significance (1 of 4 stars; one submission).

Conditions:
FGB-related disorder. Also called: FGB-related condition.

Submission:

PreventionGenetics, part of Exact Sciences
Classification: Uncertain significance for FGB-related condition. Last evaluated: 2025-07-22. Review status: criteria provided, single submitter. Criteria: ACMG Guidelines, 2015. Collection method: clinical testing. Allele origin: germline.
Comment: The FGB c.1185G>C variant is predicted to result in the amino acid substitution p.Arg395Ser. To our knowledge, this variant has not been reported in the literature or in a large population database (gnomAD), indicating this variant is rare. At this time, the clinical significance of this variant is uncertain due to the absence of conclusive functional and genetic evidence.